The following is an entry in ClinVar:

ClinVar aggregate classification (germline): Uncertain significance. Review status: criteria provided, multiple submitters, no conflicts (2 of 4 stars). 2 submissions from 2 submitters: Uncertain significance (2). Last evaluated 2023-01-31.

Allele frequency attached by ClinVar (database versions not stated): TOPMed 0.00001.

Submissions (2):

Labcorp Genetics (formerly Invitae), Labcorp
Classification: Uncertain significance. Last evaluated: 2023-01-31. Review status: criteria provided, single submitter. Criteria: Invitae Variant Classification Sherloc (09022015). Collection method: clinical testing. Allele origin: germline.
Comment: This sequence change replaces serine, which is neutral and polar, with threonine, which is neutral and polar, at codon 3609 of the USH2A protein (p.Ser3609Thr). This variant is not present in population databases (gnomAD no frequency). This variant has not been reported in the literature in individuals affected with USH2A-related conditions. ClinVar contains an entry for this variant (Variation ID: 866767). Advanced modeling of protein sequence and biophysical properties (such as structural, functional, and spatial information, amino acid conservation, physicochemical variation, residue mobility, and thermodynamic stability) performed at Invitae indicates that this missense variant is not expected to disrupt USH2A protein function. In summary, the available evidence is currently insufficient to determine the role of this variant in disease. Therefore, it has been classified as a Variant of Uncertain Significance.

Blueprint Genetics
Classification: Uncertain significance. Last evaluated: 2022-12-16. Review status: criteria provided, single submitter. Criteria: ACMG Guidelines, 2015. Collection method: clinical testing. Allele origin: germline.

NM_206933.4(USH2A):c.10826G>C (p.Ser3609Thr)

Gene: USH2A (usherin; minus strand). Cytogenetic location: 1q41.
Variant type: single nucleotide variant.
Coding change: c.10826G>C on transcript NM_206933.4 (MANE Select); coding-DNA position 10826, G replaced by C.
Protein change: p.Ser3609Thr; replaces serine 3609 with threonine.
Molecular consequence: missense variant.
Genome position (GRCh38, 1-based): chr1:215,779,956, C>G on the plus strand (G>C on the coding strand, the complement: USH2A is on the minus strand). VCF-style: chr1-215779956-C-G. GRCh37 (hg19) VCF-style: chr1-215953298-C-G.
Other names: short protein forms S3609T.
Identifiers: ClinVar variation 866767 (VCV000866767.5), dbSNP rs727504307, ClinGen allele CA37435803.